The following is an entry in ClinVar:

ClinVar aggregate classification (germline): Conflicting classifications of pathogenicity. Review status: criteria provided, conflicting classifications (1 of 4 stars). 2 submissions from 2 submitters: Uncertain significance (1); Likely benign (1). Last evaluated 2022-07-01.

Conditions:
Inborn genetic diseases. Identifiers: MedGen C0950123, MeSH D030342.

Allele frequency attached by ClinVar (database versions not stated): gnomAD 0.00002 and 0.00003; TOPMed 0.00002; ExAC 0.00003; 1000 Genomes Project 0.00020; 1000 Genomes Project 30x 0.00031.
gnomAD v4.1: 21 of 1,613,820 alleles (0.0013%); highest among the groups gnomAD compares: Admixed American, 0.025%; no homozygotes.

Submissions (2):

Labcorp Genetics (formerly Invitae), Labcorp
Classification: Uncertain significance. Last evaluated: 2022-07-01. Review status: criteria provided, single submitter. Criteria: Invitae Variant Classification Sherloc (09022015). Collection method: clinical testing. Allele origin: germline.
Comment: This sequence change replaces glutamic acid, which is acidic and polar, with glycine, which is neutral and non-polar, at codon 1066 of the AEBP1 protein (p.Glu1066Gly). The frequency data for this variant in the population databases is considered unreliable, as metrics indicate poor data quality at this position in the gnomAD database. This variant has not been reported in the literature in individuals affected with AEBP1-related conditions. ClinVar contains an entry for this variant (Variation ID: 1429847). Algorithms developed to predict the effect of missense changes on protein structure and function output the following: SIFT: "Tolerated"; PolyPhen-2: "Benign"; Align-GVGD: "Class C0". The glycine amino acid residue is found in multiple mammalian species, which suggests that this missense change does not adversely affect protein function. In summary, the available evidence is currently insufficient to determine the role of this variant in disease. Therefore, it has been classified as a Variant of Uncertain Significance.

Ambry Genetics
Classification: Likely benign for Inborn genetic diseases. Last evaluated: 2021-09-16. Review status: criteria provided, single submitter. Criteria: Ambry Variant Classification Scheme 2023. Collection method: clinical testing. Allele origin: germline.

NM_001129.5(AEBP1):c.3197A>G (p.Glu1066Gly)

Gene: AEBP1 (AE binding protein 1; plus strand). Cytogenetic location: 7p13.
Variant type: single nucleotide variant.
Coding change: c.3197A>G on transcript NM_001129.5 (MANE Select); coding-DNA position 3197, A replaced by G.
Protein change: p.Glu1066Gly; replaces glutamic acid 1066 with glycine.
Molecular consequence: missense variant.
Genome position (GRCh38, 1-based): chr7:44,113,981, A>G. VCF-style: chr7-44113981-A-G. GRCh37 (hg19) VCF-style: chr7-44153580-A-G.
Other names: c.3197A>G (NM_001129.3); short protein forms E1066G.
Identifiers: ClinVar variation 1429847 (VCV001429847.4), dbSNP rs201065802, ClinGen allele CA4238431.